The following is an entry in ClinVar:

ClinVar aggregate classification (germline): Pathogenic. Review status: reviewed by expert panel (3 of 4 stars). 6 submissions from 6 submitters: Pathogenic (1). 5 of the submissions do not count toward it. Last evaluated 2016-10-18.

Conditions:
Hereditary breast ovarian cancer syndrome. Also called: Hereditary breast and ovarian cancer syndrome; Hereditary breast and ovarian cancer; Hereditary breast and ovarian cancer syndrome (HBOC); Breast and ovarian cancer; Hereditary breast and/or ovarian cancer syndrome; BRCA1- and BRCA2-Associated Hereditary Breast and Ovarian Cancer. Identifiers: Orphanet 145, MedGen C0677776, MeSH D061325, MONDO:0003582. Disease mechanism: loss of function.
Hereditary cancer-predisposing syndrome. Also called: Neoplastic Syndromes, Hereditary; Tumor predisposition; Hereditary neoplastic syndrome; Hereditary Cancer Syndrome. Identifiers: Orphanet 140162, MedGen C0027672, MeSH D009386, MONDO:0015356.
Breast-ovarian cancer, familial, susceptibility to, 2 (BROVCA2). Also called: BRCA2 Hereditary Breast and Ovarian Cancer. Identifiers: Orphanet 145, MedGen C2675520, MONDO:0012933, OMIM 612555. Disease mechanism: loss of function.
Familial cancer of breast. Also called: BREAST CANCER, FAMILIAL; Hereditary breast cancer; hereditary breast carcinoma. Identifiers: Orphanet 227535, MedGen C0346153, MONDO:0016419, OMIM 114480. Disease mechanism: loss of function.

Submissions (6):

Evidence-based Network for the Interpretation of Germline Mutant Alleles (ENIGMA)
Classification: Pathogenic for Breast-ovarian cancer, familial, susceptibility to, 2. Last evaluated: 2016-10-18. Review status: reviewed by expert panel. Criteria: ENIGMA BRCA1/2 Classification Criteria (2015). Collection method: curation. Allele origin: germline.
Comment: Variant allele predicted to encode a truncated non-functional protein.

Labcorp Genetics (formerly Invitae), Labcorp
Classification: Pathogenic for Hereditary breast ovarian cancer syndrome. Last evaluated: 2025-12-09. Review status: criteria provided, single submitter. Criteria: Invitae Variant Classification Sherloc (09022015). Collection method: clinical testing. Allele origin: germline. Not counted in ClinVar's aggregate classification.
Comment: This sequence change creates a premature translational stop signal (p.Leu2972Cysfs*4) in the BRCA2 gene. It is expected to result in an absent or disrupted protein product. Loss-of-function variants in BRCA2 are known to be pathogenic (PMID: 20104584). This variant is not present in population databases (gnomAD no frequency). This premature translational stop signal has been observed in individual(s) with breast cancer (PMID: 18006916, 22798144, 26221963). This variant is also known as 9143delT. ClinVar contains an entry for this variant (Variation ID: 52701). For these reasons, this variant has been classified as Pathogenic.

Ambry Genetics
Classification: Pathogenic for Hereditary cancer-predisposing syndrome. Last evaluated: 2024-10-04. Review status: criteria provided, single submitter. Criteria: Ambry Variant Classification Scheme 2023. Collection method: clinical testing. Allele origin: germline. Not counted in ClinVar's aggregate classification.
Comment: The c.8915delT pathogenic mutation, located in coding exon 21 of the BRCA2 gene, results from a deletion of one nucleotide at nucleotide position 8915, causing a translational frameshift with a predicted alternate stop codon (p.L2972Cfs*4). This mutation has been reported in individuals with hereditary breast and ovarian cancer (Ang P et al. Cancer Epidemiol. Biomarkers Prev., 2007 Nov;16:2276-84; Wong E et al. npj Genomic Medicine 1, Article number: 15003 2016). This alteration is expected to result in loss of function by premature protein truncation or nonsense-mediated mRNA decay. As such, this alteration is interpreted as a disease-causing mutation.

Department of Pathology and Laboratory Medicine, Sinai Health System
Classification: Pathogenic for Familial cancer of breast; Breast-ovarian cancer, familial, susceptibility to, 2. Last evaluated: 2022-11-04. Review status: criteria provided, single submitter. Criteria: ACMG Guidelines, 2015. Collection method: clinical testing. Allele origin: germline. Affected: yes. Not counted in ClinVar's aggregate classification.

GeneDx
Classification: Pathogenic. Last evaluated: 2018-02-08. Review status: criteria provided, single submitter. Criteria: GeneDx Variant Classification (06012015). Collection method: clinical testing. Allele origin: germline. Affected: yes. Not counted in ClinVar's aggregate classification.
Comment: This deletion of one nucleotide in BRCA2 is denoted c.8915delT at the cDNA level and p.Leu2972CysfsX4 (L2972CfsX4) at the protein level. The normal sequence, with the base that is deleted in brackets, is AAGT[delT]GCGT. The deletion causes a frameshift which changes a Leucine to a Cysteine at codon 2972, and creates a premature stop codon at position 4 of the new reading frame. This variant is predicted to cause loss of normal protein function through either protein truncation or nonsense-mediated mRNA decay. BRCA2 c.8915delT, also defined as BRCA2 8914delT and BRCA2 9143delT using alternate nomenclature, has been observed in multiple individuals with breast cancer (Ang 2007, Kim 2012, Wong 2015). We consider this variant to be pathogenic.

Consortium of Investigators of Modifiers of BRCA1/2 (CIMBA), c/o University of Cambridge
Classification: Pathogenic for Breast-ovarian cancer, familial, susceptibility to, 2. Last evaluated: 2015-10-02. Review status: criteria provided, single submitter. Criteria: CIMBA Mutation Classification guidelines May 2016. Collection method: clinical testing. Allele origin: germline. Not counted in ClinVar's aggregate classification.

Literature cited by the submitters: PubMed 20104584 (cited by Labcorp Genetics (formerly Invitae), Labcorp); PubMed 18006916 (cited by 3 submitters); PubMed 22798144 (cited by Labcorp Genetics (formerly Invitae), Labcorp); PubMed 26221963 (cited by Labcorp Genetics (formerly Invitae), Labcorp).

NM_000059.4(BRCA2):c.8915del (p.Leu2972fs)

Gene: BRCA2 (BRCA2 DNA repair associated; plus strand). Cytogenetic location: 13q13.1.
Variant type: Deletion.
Coding change: c.8915del on transcript NM_000059.4 (MANE Select); coding-DNA position 8915, one base deleted (T; older notation c.8915delT).
Protein change: p.Leu2972fs; shifts the reading frame from leucine 2972.
Molecular consequence: frameshift variant.
Genome position (GRCh38, 1-based): chr13:32,379,477, T deleted; the last of 2 consecutive T bases (chr13:32,379,476-32,379,477); deleting either gives the same sequence. VCF-style (leftmost placement, unchanged base first): chr13-32379475-GT-G. GRCh37 (hg19) VCF-style: chr13-32953612-GT-G.
Other names: 9143delT; c.8915delT (NM_000059.3).
Identifiers: ClinVar variation 52701 (VCV000052701.16), dbSNP rs397508019, ClinGen allele CA025869.